The following is an entry in ClinVar:

NM_007294.4(BRCA1):c.800C>G (p.Ser267Ter)

Gene: BRCA1 (BRCA1 DNA repair associated; minus strand). Cytogenetic location: 17q21.31.
Variant type: single nucleotide variant.
Coding change: c.800C>G on transcript NM_007294.4 (MANE Select); coding-DNA position 800, C replaced by G.
Protein change: p.Ser267Ter; replaces serine 267 with a stop codon.
Molecular consequence: nonsense. On other transcripts: 5 prime UTR variant (2), intron variant (137).
Genome position (GRCh38, 1-based): chr17:43,094,731, G>C on the plus strand (C>G on the coding strand, the complement: BRCA1 is on the minus strand). VCF-style: chr17-43094731-G-C. GRCh37 (hg19) VCF-style: chr17-41246748-G-C.
Other names: c.587C>G, p.Ser196Ter (NM_001407571.1, NM_001407915.1, NM_001407853.1 and 9 more transcripts); c.800C>G, p.Ser267Ter (NM_001407581.1, NM_001407582.1, NM_001407583.1 and 30 more transcripts); c.797C>G, p.Ser266Ter (NM_001407587.1, NM_001407610.1, NM_001407611.1 and 22 more transcripts); c.674C>G, p.Ser225Ter (NM_001407649.1, NM_001407670.1, NM_001407671.1 and 11 more transcripts); c.722C>G, p.Ser241Ter (NM_001407653.1, NM_001407654.1, NM_001407655.1 and 4 more transcripts); c.719C>G, p.Ser240Ter (NM_001407659.1, NM_001407660.1, NM_001407661.1 and 1 more transcripts); c.677C>G, p.Ser226Ter (NM_001407674.1, NM_001407675.1, NM_001407676.1 and 19 more transcripts); c.659C>G, p.Ser220Ter (NM_001407692.1, NM_001407694.1, NM_001407695.1 and 29 more transcripts); and 40 more; short protein forms S267*, S220*, S155*, S178*, S226*, S240*, S264*, S200*.
Identifiers: ClinVar variation 55713 (VCV000055713.17), dbSNP rs80357392, ClinGen allele CA003883.

ClinVar aggregate classification (germline): Pathogenic. Review status: reviewed by expert panel (3 of 4 stars). 6 submissions from 6 submitters: Pathogenic (1). 5 of the submissions do not count toward it. Last evaluated 2016-09-08.

Conditions:
Hereditary breast ovarian cancer syndrome. Also called: BRCA1- and BRCA2-Associated Hereditary Breast and Ovarian Cancer; Hereditary breast and ovarian cancer syndrome; Hereditary breast and ovarian cancer syndrome (HBOC); Breast and ovarian cancer; Hereditary breast and/or ovarian cancer syndrome; Hereditary breast and ovarian cancer. Identifiers: Orphanet 145, MedGen C0677776, MeSH D061325, MONDO:0003582. Disease mechanism: loss of function.
Breast-ovarian cancer, familial, susceptibility to, 1 (BROVCA1). Also called: BRCA1 Hereditary Breast and Ovarian Cancer; OVARIAN CANCER, SUSCEPTIBILITY TO. Identifiers: Orphanet 145, MedGen C2676676, MONDO:0011450, OMIM 604370. Disease mechanism: loss of function.
Fanconi anemia, complementation group S (FANCS). Identifiers: MedGen C4554406, MONDO:0054748, OMIM 617883.
Hereditary cancer-predisposing syndrome. Also called: Hereditary Cancer Syndrome; Hereditary neoplastic syndrome; Neoplastic Syndromes, Hereditary; Tumor predisposition. Identifiers: Orphanet 140162, MedGen C0027672, MeSH D009386, MONDO:0015356.

Submissions (6):

Evidence-based Network for the Interpretation of Germline Mutant Alleles (ENIGMA)
Classification: Pathogenic for Breast-ovarian cancer, familial, susceptibility to, 1. Last evaluated: 2016-09-08. Review status: reviewed by expert panel. Criteria: ENIGMA BRCA1/2 Classification Criteria (2015). Collection method: curation. Allele origin: germline.
Comment: Variant allele predicted to encode a truncated non-functional protein.

Ambry Genetics
Classification: Pathogenic for Hereditary cancer-predisposing syndrome. Last evaluated: 2024-12-16. Review status: criteria provided, single submitter. Criteria: Ambry Variant Classification Scheme 2023. Collection method: clinical testing. Allele origin: germline. Not counted in ClinVar's aggregate classification.
Comment: The p.S267* pathogenic mutation (also known as c.800C>G), located in coding exon 9 of the BRCA1 gene, results from a C to G substitution at nucleotide position 800. This changes the amino acid from a serine to a stop codon within coding exon 9. This alteration has been identified in a large, worldwide study of BRCA1/2 mutation positive families (Rebbeck TR et al. Hum Mutat, 2018 05;39:593-620), in 1/1525 unrelated patients who had BRCA1/2 genetic testing due to a personal and/or family history suspicious for Hereditary Breast and/or Ovarian Cancer syndrome (Caux-Moncoutier V et al. Hum Mutat, 2011 Mar;32:325-34), and in 1/131 Serbian ovarian cancer patients (Krivokuca A et al. J Hum Genet, 2019 Apr;64:281-290). This variant is considered to be rare based on population cohorts in the Genome Aggregation Database (gnomAD). In addition to the clinical data presented in the literature, this alteration is expected to result in loss of function by premature protein truncation or nonsense-mediated mRNA decay. As such, this alteration is interpreted as a disease-causing mutation.

Labcorp Genetics (formerly Invitae), Labcorp
Classification: Pathogenic for Hereditary breast ovarian cancer syndrome. Last evaluated: 2023-11-17. Review status: criteria provided, single submitter. Criteria: Invitae Variant Classification Sherloc (09022015). Collection method: clinical testing. Allele origin: germline. Not counted in ClinVar's aggregate classification.
Comment: This sequence change creates a premature translational stop signal (p.Ser267*) in the BRCA1 gene. It is expected to result in an absent or disrupted protein product. Loss-of-function variants in BRCA1 are known to be pathogenic (PMID: 20104584). This variant is not present in population databases (gnomAD no frequency). This premature translational stop signal has been observed in individual(s) with a personal or family history of breast and/or ovarian cancer (PMID: 21120943). ClinVar contains an entry for this variant (Variation ID: 55713). For these reasons, this variant has been classified as Pathogenic.

Department of Pathology and Laboratory Medicine, Sinai Health System
Classification: Pathogenic for Fanconi anemia, complementation group S. Last evaluated: 2020-12-18. Review status: criteria provided, single submitter. Criteria: ACMG Guidelines, 2015. Collection method: clinical testing. Allele origin: germline. Not counted in ClinVar's aggregate classification.

Consortium of Investigators of Modifiers of BRCA1/2 (CIMBA), c/o University of Cambridge
Classification: Pathogenic for Breast-ovarian cancer, familial, susceptibility to, 1. Last evaluated: 2015-10-02. Review status: criteria provided, single submitter. Criteria: CIMBA Mutation Classification guidelines May 2016. Collection method: clinical testing. Allele origin: germline. Not counted in ClinVar's aggregate classification.

Breast Cancer Information Core (BIC) (BRCA1)
Classification: Pathogenic for Breast-ovarian cancer, familial 1. Last evaluated: 2004-11-25. Review status: no assertion criteria provided. Collection method: clinical testing. Allele origin: germline. Affected: yes. Observed: 1 variant allele. Not counted in ClinVar's aggregate classification.

Literature cited by the submitters: PubMed 21120943 (cited by Ambry Genetics and Labcorp Genetics (formerly Invitae), Labcorp); PubMed 29446198 (cited by Ambry Genetics); PubMed 30651582 (cited by Ambry Genetics); PubMed 20104584 (cited by Labcorp Genetics (formerly Invitae), Labcorp).